The following is an entry in ClinVar:

NM_001267550.2(TTN):c.99814C>T (p.Leu33272Phe)

Genes: TTN-AS1 (TTN antisense RNA 1; plus strand), TTN (titin; minus strand), LOC126806420 (BRD4-independent group 4 enhancer GRCh37_chr2:179401104-179402303; plus strand). Cytogenetic location: 2q31.2.
Variant type: single nucleotide variant.
Coding change: c.99814C>T on transcript NM_001267550.2 (MANE Select); coding-DNA position 99814, C replaced by T.
Protein change: p.Leu33272Phe; replaces leucine 33272 with phenylalanine.
Molecular consequence: missense variant. On other transcripts: non-coding transcript variant (1).
Genome position (GRCh38, 1-based): chr2:178,537,393, G>A on the plus strand (C>T on the coding strand, the complement: TTN is on the minus strand). VCF-style: chr2-178537393-G-A. GRCh37 (hg19) VCF-style: chr2-179402120-G-A.
Other names: c.94891C>T, p.Leu31631Phe (NM_001256850.1); c.72619C>T, p.Leu24207Phe (NM_003319.4); c.72994C>T, p.Leu24332Phe (NM_133432.3); c.73195C>T, p.Leu24399Phe (NM_133437.4); c.92110C>T, p.Leu30704Phe (NM_133378.4); short protein forms L33272F, L30704F, L24207F, L24332F, L31631F, L24399F.
Identifiers: ClinVar variation 47619 (VCV000047619.6), dbSNP rs397517780, ClinGen allele CA141521.
Genomic context (GRCh38, chr2:178,537,393, plus strand): 5'-ATAAAATACCTTGTATTTCCACATCAAGGATGGCATCAACTGTTCCAAAAACATTGCTGA[G>A]CTGGACTTTGTATTTCCCAGCATGAGTCTTACGTTGGACATTCTTCATGACAAGATGAGT-3'
Protein context (NP_001254479.2, residues 33262-33282): KTHAGKYKVQ[Leu33272Phe]SNVFGTVDAI

ClinVar aggregate classification (germline): Uncertain significance. Review status: criteria provided, multiple submitters, no conflicts (2 of 4 stars). 2 submissions from 2 submitters: Uncertain significance (2). Last evaluated 2021-07-29.

Conditions:
Hypertrophic cardiomyopathy 9. Also called: Familial hypertrophic cardiomyopathy 9. Identifiers: MedGen C1861065, MONDO:0013412, OMIM 613765.
Tibial muscular dystrophy (TMD). Also called: Tibial muscular dystrophy, tardive; UDD MYOPATHY; Udd Distal Myopathy – Tibial Muscular Dystrophy. Identifiers: Orphanet 609, MedGen C1838244, MONDO:0010870, OMIM 600334.
Myopathy, myofibrillar, 9, with early respiratory failure (MFM9). Also called: MYOPATHY, PROXIMAL, WITH EARLY RESPIRATORY MUSCLE INVOLVEMENT; Myopathy, distal, with early respiratory failure, autosomal dominant; Hereditary myopathy with early respiratory failure; EDSTROM MYOPATHY. Identifiers: Orphanet 178464, Orphanet 34521, MedGen C1863599, MONDO:0011362, OMIM 603689.
Early-onset myopathy with fatal cardiomyopathy (CMYO5). Also called: CONGENITAL MYOPATHY 5 WITH CARDIOMYOPATHY; Salih Myopathy. Identifiers: Orphanet 289377, MedGen C2673677, MONDO:0012714, OMIM 611705. Disease mechanism: loss of function.
Dilated cardiomyopathy 1G (CMD1G). Identifiers: Orphanet 154, MedGen C1858763, MONDO:0011400, OMIM 604145.
Autosomal recessive limb-girdle muscular dystrophy type 2J (LGMDR10). Also called: Limb-girdle muscular dystrophy, type 2J; MUSCULAR DYSTROPHY, LIMB-GIRDLE, AUTOSOMAL RECESSIVE 10. Identifiers: Orphanet 140922, MedGen C1837342, MONDO:0012127, OMIM 608807.

Allele frequency attached by ClinVar (database versions not stated): gnomAD exomes below 0.00001 and 0.00002; ExAC 0.00001; TOPMed 0.00001.
gnomAD v4.1: 23 of 1,605,672 alleles (0.0014%); highest among the groups gnomAD compares: Non-Finnish European, 0.0017%; no homozygotes.

Submissions (2):

Fulgent Genetics
Classification: Uncertain significance for Tibial muscular dystrophy; Myopathy, myofibrillar, 9, with early respiratory failure; Dilated cardiomyopathy 1G; Autosomal recessive limb-girdle muscular dystrophy type 2J; Early-onset myopathy with fatal cardiomyopathy; Hypertrophic cardiomyopathy 9. Last evaluated: 2021-07-29. Review status: criteria provided, single submitter. Criteria: ACMG Guidelines, 2015. Collection method: clinical testing. Allele origin: unknown.

Laboratory for Molecular Medicine, Mass General Brigham Personalized Medicine
Classification: Uncertain significance. Last evaluated: 2012-04-24. Review status: criteria provided, single submitter. Criteria: LMM Criteria. Collection method: clinical testing. Allele origin: germline. Observed: 1 variant allele.
Comment: The Leu30704Phe variant (TTN) has not been reported in the literature nor previo usly identified by our laboratory. Leucine (Leu) at position 30704 is highly con served in mammals and across evolutionarily distant species and the change to ph enylalanine (Phe) may not be tolerated. Other computational analyses (biochemica l amino acid properties, AlignGVGD, PolyPhen2, and SIFT) do not provide strong s upport for or against an impact to the protein. In summary, additional informati on is needed to fully assess the clinical significance of the Leu30704Phe varian t.